The following is an entry in ClinVar:

ClinVar aggregate classification (germline): Benign. Review status: criteria provided, multiple submitters, no conflicts (2 of 4 stars). 2 submissions from 2 submitters: Benign (2). Last evaluated 2024-07-15.

Allele frequency attached by ClinVar (database versions not stated): 1000 Genomes Project 30x 0.52124; 1000 Genomes Project 0.52276; TOPMed 0.59345; gnomAD 0.60386 and 0.60692.
gnomAD v4.1: 555,282 of 873,572 alleles (64%); highest among the groups gnomAD compares: Middle Eastern, 71%; 181,270 homozygotes.

Submissions (2):

Unidad de Genómica Garrahan, Hospital de Pediatría Garrahan
Classification: Benign. Last evaluated: 2024-07-15. Review status: criteria provided, single submitter. Criteria: ACMG Guidelines, 2015. Collection method: clinical testing. Allele origin: germline. Affected: no. Observed: 33 variant alleles.
Comment: This variant is classified as Benign based on local population frequency. This variant was detected in 35% of patients studied in a panel designed for Epileptic and Developmental Encephalopathy and Progressive Myoclonus Epilepsy. Number of patients: 33. Only high quality variants are reported.

GeneDx
Classification: Benign. Last evaluated: 2018-11-10. Review status: criteria provided, single submitter. Criteria: GeneDx Variant Classification Process June 2021. Collection method: clinical testing. Allele origin: germline. Affected: yes.

NM_012120.3(CD2AP):c.1108+82T>C

Gene: CD2AP (CD2 associated protein; plus strand). Cytogenetic location: 6p12.3.
Variant type: single nucleotide variant.
Coding change: c.1108+82T>C on transcript NM_012120.3 (MANE Select); 82 bases into the intron after coding-DNA position 1108, T replaced by C.
Molecular consequence: intron variant.
Genome position (GRCh38, 1-based): chr6:47,582,147, T>C. VCF-style: chr6-47582147-T-C. GRCh37 (hg19) VCF-style: chr6-47549883-T-C.
Identifiers: ClinVar variation 1230729 (VCV001230729.5), dbSNP rs2275446, ClinGen allele CA137945612.